The following is an entry in ClinVar:

ClinVar aggregate classification (germline): Uncertain significance (1 of 4 stars; one submission).

Allele frequency attached by ClinVar (database versions not stated): gnomAD 0.00001; TOPMed 0.00001.
gnomAD v4.1: 6 of 1,613,840 alleles (0.00037%); highest among the groups gnomAD compares: African/African-American, 0.0013%; no homozygotes.

Submission:

Labcorp Genetics (formerly Invitae), Labcorp
Classification: Uncertain significance. Last evaluated: 2022-08-16. Review status: criteria provided, single submitter. Criteria: Invitae Variant Classification Sherloc (09022015). Collection method: clinical testing. Allele origin: germline.
Comment: In summary, the available evidence is currently insufficient to determine the role of this variant in disease. Therefore, it has been classified as a Variant of Uncertain Significance. Algorithms developed to predict the effect of missense changes on protein structure and function are either unavailable or do not agree on the potential impact of this missense change (SIFT: "Deleterious"; PolyPhen-2: "Benign"; Align-GVGD: "Class C0"). ClinVar contains an entry for this variant (Variation ID: 1482872). This variant has not been reported in the literature in individuals affected with LAMC3-related conditions. This variant is present in population databases (no rsID available, gnomAD 0.01%). This sequence change replaces threonine, which is neutral and polar, with isoleucine, which is neutral and non-polar, at codon 1319 of the LAMC3 protein (p.Thr1319Ile).

NM_006059.4(LAMC3):c.3956C>T (p.Thr1319Ile)

Gene: LAMC3 (laminin subunit gamma 3; plus strand). Cytogenetic location: 9q34.12.
Variant type: single nucleotide variant.
Coding change: c.3956C>T on transcript NM_006059.4 (MANE Select); coding-DNA position 3956, C replaced by T.
Protein change: p.Thr1319Ile; replaces threonine 1319 with isoleucine.
Molecular consequence: missense variant.
Genome position (GRCh38, 1-based): chr9:131,082,087, C>T. VCF-style: chr9-131082087-C-T. GRCh37 (hg19) VCF-style: chr9-133957474-C-T.
Other names: short protein forms T1319I.
Identifiers: ClinVar variation 1482872 (VCV001482872.6), dbSNP rs758113813, ClinGen allele CA200677092.